The following is an entry in ClinVar:

NM_175914.5(HNF4A):c.319+9C>T

Gene: HNF4A (hepatocyte nuclear factor 4 alpha; plus strand). Cytogenetic location: 20q13.12.
Variant type: single nucleotide variant.
Coding change: c.319+9C>T on transcript NM_175914.5 (MANE Select); 9 bases into the intron after coding-DNA position 319, C replaced by T.
Molecular consequence: intron variant.
Genome position (GRCh38, 1-based): chr20:44,407,484, C>T. VCF-style: chr20-44407484-C-T. GRCh37 (hg19) VCF-style: chr20-43036124-C-T.
Other names: c.310+9C>T (NM_001287182.2, NM_001287183.2, NM_001287184.2); c.319+9C>T (NM_001030003.3, NM_001030004.3); c.364+9C>T (NM_001258355.2); c.385+9C>T (NM_178849.3, NM_000457.6, NM_178850.3).
Identifiers: ClinVar variation 4980746 (VCV004980746.1).

ClinVar aggregate classification (germline): Likely benign (1 of 4 stars; one submission).

Conditions:
HNF4A-related disorder. Also called: HNF4A-related condition.

gnomAD v4.1: 18 of 1,563,838 alleles (0.0012%); highest among the groups gnomAD compares: South Asian, 0.0058%; no homozygotes.

Submission:

PreventionGenetics, part of Exact Sciences
Classification: Likely benign for HNF4A-related condition. Last evaluated: 2026-04-07. Review status: criteria provided, single submitter. Criteria: ACMG Guidelines, 2015. Collection method: clinical testing. Allele origin: germline.
Comment: This variant is classified as likely benign based on ACMG/AMP sequence variant interpretation guidelines (Richards et al. 2015 PMID: 25741868, with internal and published modifications).